The following is an entry in ClinVar:

NM_016169.4(SUFU):c.404C>T (p.Thr135Ile)

Gene: SUFU (SUFU negative regulator of hedgehog signaling; plus strand). Cytogenetic location: 10q24.32.
Variant type: single nucleotide variant.
Coding change: c.404C>T on transcript NM_016169.4 (MANE Select); coding-DNA position 404, C replaced by T.
Protein change: p.Thr135Ile; replaces threonine 135 with isoleucine.
Molecular consequence: missense variant.
Genome position (GRCh38, 1-based): chr10:102,550,056, C>T. VCF-style: chr10-102550056-C-T. GRCh37 (hg19) VCF-style: chr10-104309813-C-T.
Other names: c.404C>T, p.Thr135Ile (NM_001178133.2); short protein forms T135I.
Identifiers: ClinVar variation 3754563 (VCV003754563.3).
Genomic context (GRCh38, chr10:102,550,056, plus strand): 5'-GTTTTGGCTTTGAGTTGACCTTTCGTCTGAAGAGAGAAACTGGGGAGTCTGCCCCACCAA[C>T]ATGGCCCGCAGAGTTAATGCAGGGCTTGGCACGATACGTGTTCCAGTCAGGTAGGAGGCC-3'
Protein context (NP_057253.2, residues 125-145): KRETGESAPP[Thr135Ile]WPAELMQGLA

ClinVar aggregate classification (germline): Uncertain significance. Review status: criteria provided, multiple submitters, no conflicts (2 of 4 stars). 2 submissions from 2 submitters: Uncertain significance (2). Last evaluated 2025-06-13.

Conditions:
Hereditary cancer-predisposing syndrome. Also called: Neoplastic Syndromes, Hereditary; Tumor predisposition; Hereditary Cancer Syndrome; Hereditary neoplastic syndrome. Identifiers: Orphanet 140162, MedGen C0027672, MeSH D009386, MONDO:0015356.
Gorlin syndrome. Also called: Nevoid Basal Cell Carcinoma Syndrome; Basal cell nevus syndrome. Identifiers: Orphanet 377, MedGen C0004779, MONDO:0007187.
Medulloblastoma (MDB). Also called: Medulloblastoma, somatic; MEDULLOBLASTOMA PREDISPOSITION SYNDROME. Identifiers: Orphanet 616, MedGen C0025149, MeSH D008527, MONDO:0007959, OMIM 155255, HP:0002885.

Submissions (2):

Ambry Genetics
Classification: Uncertain significance for Hereditary cancer-predisposing syndrome. Last evaluated: 2025-06-13. Review status: criteria provided, single submitter. Criteria: Ambry Variant Classification Scheme 2023. Collection method: clinical testing. Allele origin: germline.
Comment: The p.T135I variant (also known as c.404C>T), located in coding exon 3 of the SUFU gene, results from a C to T substitution at nucleotide position 404. The threonine at codon 135 is replaced by isoleucine, an amino acid with similar properties. This amino acid position is conserved. In addition, the in silico prediction for this alteration is inconclusive. Based on the available evidence, the clinical significance of this variant remains unclear.

Labcorp Genetics (formerly Invitae), Labcorp
Classification: Uncertain significance for Gorlin syndrome; Medulloblastoma. Last evaluated: 2024-02-11. Review status: criteria provided, single submitter. Criteria: Invitae Variant Classification Sherloc (09022015). Collection method: clinical testing. Allele origin: germline.
Comment: This sequence change replaces threonine, which is neutral and polar, with isoleucine, which is neutral and non-polar, at codon 135 of the SUFU protein (p.Thr135Ile). This variant is not present in population databases (gnomAD no frequency). This variant has not been reported in the literature in individuals affected with SUFU-related conditions. Advanced modeling of protein sequence and biophysical properties (such as structural, functional, and spatial information, amino acid conservation, physicochemical variation, residue mobility, and thermodynamic stability) has been performed at Invitae for this missense variant, however the output from this modeling did not meet the statistical confidence thresholds required to predict the impact of this variant on SUFU protein function. In summary, the available evidence is currently insufficient to determine the role of this variant in disease. Therefore, it has been classified as a Variant of Uncertain Significance.